The following is an entry in ClinVar:

NM_007194.4(CHEK2):c.1244T>C (p.Val415Ala)

Gene: CHEK2 (checkpoint kinase 2; minus strand). Cytogenetic location: 22q12.1.
Variant type: single nucleotide variant.
Coding change: c.1244T>C on transcript NM_007194.4 (MANE Select); coding-DNA position 1244, T replaced by C.
Protein change: p.Val415Ala; replaces valine 415 with alanine.
Molecular consequence: missense variant.
Genome position (GRCh38, 1-based): chr22:28,695,725, A>G on the plus strand (T>C on the coding strand, the complement: CHEK2 is on the minus strand). VCF-style: chr22-28695725-A-G. GRCh37 (hg19) VCF-style: chr22-29091713-A-G.
Other names: c.1373T>C, p.Val458Ala (NM_001005735.3); c.581T>C, p.Val194Ala (NM_001257387.3); c.1043T>C, p.Val348Ala (NM_001349956.3); c.1157T>C, p.Val386Ala (NM_145862.3); short protein forms V194A, V386A, V415A, V458A, V348A.
Identifiers: ClinVar variation 2566536 (VCV002566536.1), dbSNP rs748555394, ClinGen allele CA411096577.

ClinVar aggregate classification (germline): Uncertain significance (1 of 4 stars; one submission).

Conditions:
Hereditary cancer-predisposing syndrome. Also called: Neoplastic Syndromes, Hereditary; Hereditary Cancer Syndrome; Hereditary neoplastic syndrome; Tumor predisposition. Identifiers: Orphanet 140162, MedGen C0027672, MeSH D009386, MONDO:0015356.

Submission:

Ambry Genetics
Classification: Uncertain significance for Hereditary cancer-predisposing syndrome. Last evaluated: 2023-04-25. Review status: criteria provided, single submitter. Criteria: Ambry General Variant Classification Scheme_2022. Collection method: clinical testing. Allele origin: germline.
Comment: The p.V415A variant (also known as c.1244T>C), located in coding exon 10 of the CHEK2 gene, results from a T to C substitution at nucleotide position 1244. The valine at codon 415 is replaced by alanine, an amino acid with similar properties. This amino acid position is highly conserved in available vertebrate species. In addition, the in silico prediction for this alteration is inconclusive. Since supporting evidence is limited at this time, the clinical significance of this alteration remains unclear.